The following is an entry in ClinVar:

ClinVar aggregate classification (germline): Likely pathogenic (1 of 4 stars; one submission).

Submission:

GeneDx
Classification: Likely pathogenic. Last evaluated: 2017-09-22. Review status: criteria provided, single submitter. Criteria: GeneDx Variant Classification (06012015). Collection method: clinical testing. Allele origin: germline. Affected: yes.
Comment: The V573M variant in the SCN11A gene has not been reported previously as a pathogenic variant, nor as a benign variant, to our knowledge. This variant was not observed in approximately 6500 individuals of European and African American ancestry in the NHLBI Exome Sequencing Project, indicating it is not a common benign variant in these populations. The V573M variant is a conservative amino acid substitution, which is not likely to impact secondary protein structure as these residues share similar properties. This substitution occurs at a position where amino acids with similar properties to Valine are tolerated across species. In silico analysis is inconsistent in its predictions as to whether or not the variant is damaging to the protein structure/function. The V573M variant is a strong candidate for a pathogenic variant ,however the possibility it may be a rare benign variant cannot be excluded.

NM_001349253.2(SCN11A):c.1717G>A (p.Val573Met)

Gene: SCN11A (sodium voltage-gated channel alpha subunit 11; minus strand). Cytogenetic location: 3p22.2.
Variant type: single nucleotide variant.
Coding change: c.1717G>A on transcript NM_001349253.2 (MANE Select); coding-DNA position 1717, G replaced by A.
Protein change: p.Val573Met; replaces valine 573 with methionine.
Molecular consequence: missense variant.
Genome position (GRCh38, 1-based): chr3:38,903,990, C>T on the plus strand (G>A on the coding strand, the complement: SCN11A is on the minus strand). VCF-style: chr3-38903990-C-T. GRCh37 (hg19) VCF-style: chr3-38945481-C-T.
Other names: c.1717G>A, p.Val573Met (NM_014139.3); short protein forms V573M.
Identifiers: ClinVar variation 422331 (VCV000422331.2), dbSNP rs1064795711, ClinGen allele CA16617961.